The following is an entry in ClinVar:

NM_001163435.3(TBCK):c.1170+8A>G

Gene: TBCK (TBC1 domain containing kinase; minus strand). Cytogenetic location: 4q24.
Variant type: single nucleotide variant.
Coding change: c.1170+8A>G on transcript NM_001163435.3 (MANE Select); 8 bases into the intron after coding-DNA position 1170, A replaced by G.
Molecular consequence: intron variant.
Genome position (GRCh38, 1-based): chr4:106,242,462, T>C on the plus strand (A>G on the coding strand, the complement: TBCK is on the minus strand). VCF-style: chr4-106242462-T-C. GRCh37 (hg19) VCF-style: chr4-107163619-T-C.
Other names: c.1170+8A>G (NM_001163436.4); c.981+8A>G (NM_033115.5); c.1053+8A>G (NM_001163437.3); c.654+8A>G (NM_001290768.2).
Identifiers: ClinVar variation 724757 (VCV000724757.9), dbSNP rs766132814, ClinGen allele CA3035170.

ClinVar aggregate classification (germline): Likely benign. Review status: criteria provided, multiple submitters, no conflicts (2 of 4 stars). 3 submissions from 3 submitters: Likely benign (3). Last evaluated 2025-12-21.

Conditions:
TBCK-related disorder. Also called: TBCK-related disorders; TBCK-related condition.

Allele frequency attached by ClinVar (database versions not stated): TOPMed 0.00005; gnomAD 0.00006; ExAC 0.00007; gnomAD exomes 0.00008 and 0.00019.
gnomAD v4.1: 279 of 1,587,358 alleles (0.018%); highest among the groups gnomAD compares: Non-Finnish European, 0.023%; no homozygotes.

Submissions (3):

Labcorp Genetics (formerly Invitae), Labcorp
Classification: Likely benign. Last evaluated: 2025-12-21. Review status: criteria provided, single submitter. Criteria: Invitae Variant Classification Sherloc (09022015). Collection method: clinical testing. Allele origin: germline.

PreventionGenetics, part of Exact Sciences
Classification: Likely benign for TBCK-related condition. Last evaluated: 2025-08-18. Review status: criteria provided, single submitter. Criteria: ACMG Guidelines, 2015. Collection method: clinical testing. Allele origin: germline.
Comment: This variant is classified as likely benign based on ACMG/AMP sequence variant interpretation guidelines (Richards et al. 2015 PMID: 25741868, with internal and published modifications).

Blueprint Genetics
Classification: Likely benign. Last evaluated: 2023-08-10. Review status: criteria provided, single submitter. Criteria: ACMG Guidelines, 2015. Collection method: clinical testing. Allele origin: germline.